The following is an entry in ClinVar:

ClinVar aggregate classification (germline): Likely pathogenic (1 of 4 stars; one submission).

Submission:

GeneDx
Classification: Likely pathogenic. Last evaluated: 2024-12-26. Review status: criteria provided, single submitter. Criteria: GeneDx Variant Classification Process June 2021. Collection method: clinical testing. Allele origin: germline. Affected: yes.
Comment: Frameshift variant predicted to result in abnormal protein length as the last 59 amino acids are replaced with 22 different amino acids, and other similar variants have been reported at GeneDx; Not observed at significant frequency in large population cohorts (gnomAD); Has not been previously published as pathogenic or benign to our knowledge

NM_014516.4(CNOT3):c.2081dup (p.Ser695fs)

Gene: CNOT3 (CCR4-NOT transcription complex subunit 3; plus strand). Cytogenetic location: 19q13.42.
Variant type: Duplication.
Coding change: c.2081dup on transcript NM_014516.4 (MANE Select); coding-DNA position 2081, one base duplicated (A; older notation c.2081dupA).
Protein change: p.Ser695fs; shifts the reading frame from serine 695.
Molecular consequence: frameshift variant.
Genome position (GRCh38, 1-based): chr19:54,153,758, A duplicated. VCF-style (leftmost placement, unchanged base first): chr19-54153757-C-CA. GRCh37 (hg19) VCF-style: chr19-54657494-C-CA.
Other names: short protein forms S695fs.
Identifiers: ClinVar variation 3907905 (VCV003907905.1).